The following is an entry in ClinVar:

NM_017757.3(ZNF407):c.6634G>A (p.Ala2212Thr)

Gene: ZNF407 (zinc finger protein 407; plus strand). Cytogenetic location: 18q22.3.
Variant type: single nucleotide variant.
Coding change: c.6634G>A on transcript NM_017757.3 (MANE Select); coding-DNA position 6634, G replaced by A.
Protein change: p.Ala2212Thr; replaces alanine 2212 with threonine.
Molecular consequence: missense variant.
Genome position (GRCh38, 1-based): chr18:75,064,355, G>A. VCF-style: chr18-75064355-G-A. GRCh37 (hg19) VCF-style: chr18-72776311-G-A.
Other names: c.6634G>A, p.Ala2212Thr (NM_001384475.1); short protein forms A2212T.
Identifiers: ClinVar variation 3573668 (VCV003573668.2).

ClinVar aggregate classification (germline): Uncertain significance. Review status: criteria provided, multiple submitters, no conflicts (2 of 4 stars). 2 submissions from 2 submitters: Uncertain significance (2). Last evaluated 2025-08-04.

gnomAD v4.1: 101 of 1,586,038 alleles (0.0064%); highest among the groups gnomAD compares: Non-Finnish European, 0.001%; no homozygotes.

Submissions (2):

Ambry Genetics
Classification: Uncertain significance. Last evaluated: 2025-08-04. Review status: criteria provided, single submitter. Criteria: Ambry Variant Classification Scheme 2023. Collection method: clinical testing. Allele origin: germline.

GeneDx
Classification: Uncertain significance. Last evaluated: 2024-07-16. Review status: criteria provided, single submitter. Criteria: GeneDx Variant Classification Process June 2021. Collection method: clinical testing. Allele origin: germline. Affected: yes.
Comment: In silico analysis indicates that this missense variant does not alter protein structure/function; Has not been previously published as pathogenic or benign to our knowledge